The following is an entry in ClinVar:

ClinVar aggregate classification (germline): Conflicting classifications of pathogenicity. Review status: criteria provided, conflicting classifications (1 of 4 stars). 4 submissions from 4 submitters: Likely pathogenic (1); Uncertain significance (2). 1 of the submissions does not count toward it. Last evaluated 2026-09-09.

Conditions:
CNGA1-related disorder. Also called: CNGA1-related condition.
Retinal dystrophy. Also called: Inherited retinal dystrophy. Identifiers: Orphanet 71862, MedGen C0854723, MeSH D058499, MONDO:0019118, HP:0000556.

Allele frequency attached by ClinVar (database versions not stated): ExAC 0.00001; gnomAD exomes 0.00002 and 0.00003; gnomAD 0.00003; TOPMed 0.00003.
gnomAD v4.1: 46 of 1,613,762 alleles (0.0029%); highest among the groups gnomAD compares: African/African-American, 0.0053%; no homozygotes.

Submissions (4):

PreventionGenetics, part of Exact Sciences
Classification: Uncertain significance for CNGA1-related condition. Last evaluated: 2026-09-09. Review status: criteria provided, single submitter. Criteria: ACMG Guidelines, 2015. Collection method: clinical testing. Allele origin: germline.
Comment: The CNGA1 c.1547T>G variant is predicted to result in the amino acid substitution p.Met516Arg. This variant has been reported in individuals with retinal disease (Table S8, Ellingford et al. 2016. PubMed ID: 27208204; Table S1, Sather et al. 2023. PubMed ID: 37446072). This variant is present in 0.0083% of alleles in individuals of African descent in gnomAD. Although we suspect that this variant may be pathogenic, at this time, the clinical significance of this variant is uncertain due to the absence of conclusive functional and genetic evidence.

Labcorp Genetics (formerly Invitae), Labcorp
Classification: Likely pathogenic. Last evaluated: 2026-01-05. Review status: criteria provided, single submitter. Criteria: Invitae Variant Classification Sherloc (09022015). Collection method: clinical testing. Allele origin: germline.
Comment: This sequence change replaces methionine, which is neutral and non-polar, with arginine, which is basic and polar, at codon 516 of the CNGA1 protein (p.Met516Arg). This variant is present in population databases (rs761947277, gnomAD 0.008%). This missense change has been observed in individual(s) with retinitis pigmentosa (PMID: 27208204, 37446072). In at least one individual the data is consistent with being in trans (on the opposite chromosome) from a pathogenic variant. This variant is also known as p.Met585Arg. ClinVar contains an entry for this variant (Variation ID: 236444). Invitae Evidence Modeling of protein sequence and biophysical properties (such as structural, functional, and spatial information, amino acid conservation, physicochemical variation, residue mobility, and thermodynamic stability) indicates that this missense variant is expected to disrupt CNGA1 protein function with a positive predictive value of 80%. In summary, the currently available evidence indicates that the variant is pathogenic, but additional data are needed to prove that conclusively. Therefore, this variant has been classified as Likely Pathogenic.

Blueprint Genetics
Classification: Uncertain significance. Last evaluated: 2022-03-21. Review status: criteria provided, single submitter. Criteria: ACMG Guidelines, 2015. Collection method: clinical testing. Allele origin: germline.

Centre for Genomic Medicine, Manchester, Central Manchester University Hospitals
Classification: Uncertain significance for Retinal dystrophy. Review status: no assertion criteria provided. Collection method: clinical testing. Allele origin: germline. Affected: yes. Not counted in ClinVar's aggregate classification.

Literature cited by the submitters: PubMed 27208204 (cited by Labcorp Genetics (formerly Invitae), Labcorp); PubMed 37446072 (cited by Labcorp Genetics (formerly Invitae), Labcorp).

NM_001379270.1(CNGA1):c.1535T>G (p.Met512Arg)

Genes: CNGA1 (cyclic nucleotide gated channel subunit alpha 1; minus strand), LOC101927157 (uncharacterized LOC101927157; plus strand). Cytogenetic location: 4p12.
Variant type: single nucleotide variant.
Coding change: c.1535T>G on transcript NM_001379270.1 (MANE Select); coding-DNA position 1535, T replaced by G.
Protein change: p.Met512Arg; replaces methionine 512 with arginine.
Molecular consequence: missense variant.
Genome position (GRCh38, 1-based): chr4:47,936,947, A>C on the plus strand (T>G on the coding strand, the complement: CNGA1 is on the minus strand). VCF-style: chr4-47936947-A-C. GRCh37 (hg19) VCF-style: chr4-47938964-A-C.
Other names: c.1547T>G (NM_000087.3); c.1535T>G, p.Met512Arg (NM_000087.5, NM_001142564.2); short protein forms M585R, M512R.
Identifiers: ClinVar variation 236444 (VCV000236444.9), dbSNP rs761947277, ClinGen allele CA2911059.